The following is an entry in ClinVar:

ClinVar aggregate classification (germline): Uncertain significance. Review status: criteria provided, single submitter (1 of 4 stars). 4 submissions from 4 submitters: Uncertain significance (1). 3 of the submissions do not count toward it. Last evaluated 2024-02-05.

Conditions:
Hypertrophic cardiomyopathy. Also called: HYPERTROPHIC MYOCARDIOPATHY. Identifiers: Orphanet 217569, MedGen C0007194, MeSH D002312, MONDO:0005045, HP:0001639.

gnomAD v4.1: 2 of 1,614,052 alleles (0.00012%); highest among the groups gnomAD compares: Non-Finnish European, 0.00017%; no homozygotes.

Submissions (4):

All of Us Research Program, National Institutes of Health
Classification: Uncertain significance for Hypertrophic cardiomyopathy. Last evaluated: 2024-02-05. Review status: criteria provided, single submitter. Criteria: ACMG Guidelines, 2015. Collection method: clinical testing. Allele origin: germline. Inheritance: Autosomal dominant inheritance. Observed: 1 variant allele, 1 heterozygote.
Comment: This missense variant replaces glutamine with histidine at codon 168 of the PRKAG2 protein. Computational prediction is inconclusive regarding the impact of this variant on protein structure and function (internally defined REVEL score threshold 0.5 < inconclusive < 0.7, PMID: 27666373). To our knowledge, functional studies have not been reported for this variant. This variant has not been reported in individuals affected with PRKAG2-related disorders in the literature. This variant has not been identified in the general population by the Genome Aggregation Database (gnomAD). The available evidence is insufficient to determine the role of this variant in disease conclusively. Therefore, this variant is classified as a Variant of Uncertain Significance.

This study involves interpretation of variants in research participants for the purpose of population health screening. Participant phenotype was not available at the time of variant classification. Additional details can be found in publication PMID: 35346344, PMCID: PMC8962531

Clinical Genetics, Academic Medical Center
Classification: Uncertain significance. Review status: no assertion criteria provided. Collection method: clinical testing. Allele origin: germline. Affected: yes. Study: VKGL Data-share Consensus. Not counted in ClinVar's aggregate classification.

Genome Diagnostics Laboratory, University Medical Center Utrecht
Classification: Uncertain significance. Review status: no assertion criteria provided. Collection method: clinical testing. Allele origin: germline. Affected: yes. Study: VKGL Data-share Consensus. Not counted in ClinVar's aggregate classification.

Joint Genome Diagnostic Labs from Nijmegen and Maastricht, Radboudumc and MUMC+
Classification: Uncertain significance. Review status: no assertion criteria provided. Collection method: clinical testing. Allele origin: germline. Affected: yes. Study: VKGL Data-share Consensus. Not counted in ClinVar's aggregate classification.

NM_016203.4(PRKAG2):c.504A>C (p.Gln168His)

Gene: PRKAG2 (protein kinase AMP-activated non-catalytic subunit gamma 2; minus strand). Cytogenetic location: 7q36.1.
Variant type: single nucleotide variant.
Coding change: c.504A>C on transcript NM_016203.4 (MANE Select); coding-DNA position 504, A replaced by C.
Protein change: p.Gln168His; replaces glutamine 168 with histidine.
Molecular consequence: missense variant.
Genome position (GRCh38, 1-based): chr7:151,675,600, T>G on the plus strand (A>C on the coding strand, the complement: PRKAG2 is on the minus strand). VCF-style: chr7-151675600-T-G. GRCh37 (hg19) VCF-style: chr7-151372686-T-G.
Other names: c.372A>C, p.Gln124His (NM_001040633.2); c.132A>C, p.Gln44His (NM_001304527.2, NM_001363698.2); short protein forms Q124H, Q168H, Q44H.
Identifiers: ClinVar variation 1285101 (VCV001285101.6), dbSNP rs2151477345, ClinGen allele CA370188272.